The following is an entry in ClinVar:

ClinVar aggregate classification (germline): Pathogenic (1 of 4 stars; one submission).

Conditions:
Hereditary hemorrhagic telangiectasia (HHT). Also called: Osler hemorrhagic telangiectasia syndrome; ORW DISEASE; Osler Weber Rendu syndrome; OSLER-RENDU-WEBER DISEASE. Identifiers: Orphanet 774, MedGen C0039445, MONDO:0019180. Disease mechanism: loss of function.

Submission:

Labcorp Genetics (formerly Invitae), Labcorp
Classification: Pathogenic for Hereditary hemorrhagic telangiectasia. Last evaluated: 2022-09-19. Review status: criteria provided, single submitter. Criteria: Invitae Variant Classification Sherloc (09022015). Collection method: clinical testing. Allele origin: germline.
Comment: This variant is not present in population databases (gnomAD no frequency). For these reasons, this variant has been classified as Pathogenic. ClinVar contains an entry for this variant (Variation ID: 1076967). This variant has not been reported in the literature in individuals affected with ENG-related conditions. This sequence change creates a premature translational stop signal (p.Thr136Hisfs*13) in the ENG gene. It is expected to result in an absent or disrupted protein product. Loss-of-function variants in ENG are known to be pathogenic (PMID: 15879500).

Literature cited by the submitters: PubMed 15879500.

NM_001114753.3(ENG):c.405dup (p.Thr136fs)

Gene: ENG (endoglin; minus strand). Cytogenetic location: 9q34.11.
Variant type: Duplication.
Coding change: c.405dup on transcript NM_001114753.3 (MANE Select); coding-DNA position 405, one base duplicated (C; older notation c.405dupC).
Protein change: p.Thr136fs; shifts the reading frame from threonine 136.
Molecular consequence: frameshift variant. On other transcripts: 5 prime UTR variant (1).
Genome position (GRCh38, 1-based): chr9:127,826,628, G duplicated on the plus strand (C on the coding strand, the reverse complement: ENG is on the minus strand); the first of 2 consecutive G bases (chr9:127,826,628-127,826,629); duplicating either gives the same sequence. VCF-style (leftmost placement, unchanged base first): chr9-127826627-T-TG. GRCh37 (hg19) VCF-style: chr9-130588906-T-TG.
Other names: c.404dup, p.Thr136Hisfs (NM_000118.4, NM_001406715.1); c.-142dup (NM_001278138.2); short protein forms T136fs.
Identifiers: ClinVar variation 1076967 (VCV001076967.9), dbSNP rs2131890631, ClinGen allele CA2499219644.
Genomic context (GRCh38, chr9:127,826,627, plus strand): 5'-TGGGGCCCCTCTCAGCTGCCCACTCAAGGATCTGGGTCTTGGGGAAGGATGGCAGCTCTG[T>TG]GGTGTTGACCCCCGGGGGCTCTTGGAAGGTGACCAGGCTGGAATTCTGGGGAGACATGTG-3'